The following is an entry in ClinVar:

NM_002519.3(NPAT):c.3379A>T (p.Ile1127Phe)

Gene: NPAT (nuclear protein, coactivator of histone transcription; minus strand). Cytogenetic location: 11q22.3.
Variant type: single nucleotide variant.
Coding change: c.3379A>T on transcript NM_002519.3 (MANE Select); coding-DNA position 3379, A replaced by T.
Protein change: p.Ile1127Phe; replaces isoleucine 1127 with phenylalanine.
Molecular consequence: missense variant.
Genome position (GRCh38, 1-based): chr11:108,161,707, T>A on the plus strand (A>T on the coding strand, the complement: NPAT is on the minus strand). VCF-style: chr11-108161707-T-A. GRCh37 (hg19) VCF-style: chr11-108032434-T-A.
Other names: c.3400A>T, p.Ile1134Phe (NM_001321307.1); short protein forms I1134F, I1127F.
Identifiers: ClinVar variation 2025390 (VCV002025390.4), dbSNP rs749891879, ClinGen allele CA6263591.

ClinVar aggregate classification (germline): Uncertain significance (1 of 4 stars; one submission).

Allele frequency attached by ClinVar (database versions not stated): ExAC 0.00001.

Submission:

Labcorp Genetics (formerly Invitae), Labcorp
Classification: Uncertain significance. Last evaluated: 2023-08-10. Review status: criteria provided, single submitter. Criteria: Invitae Variant Classification Sherloc (09022015). Collection method: clinical testing. Allele origin: germline.
Comment: In summary, the available evidence is currently insufficient to determine the role of this variant in disease. Therefore, it has been classified as a Variant of Uncertain Significance. An algorithm developed to predict the effect of missense changes on protein structure and function (PolyPhen-2) suggests that this variant is likely to be tolerated. ClinVar contains an entry for this variant (Variation ID: 2025390). This variant has not been reported in the literature in individuals affected with NPAT-related conditions. This variant is not present in population databases (gnomAD no frequency). This sequence change replaces isoleucine, which is neutral and non-polar, with phenylalanine, which is neutral and non-polar, at codon 1127 of the NPAT protein (p.Ile1127Phe).